The following is an entry in ClinVar:

NM_000492.4(CFTR):c.1505T>A (p.Ile502Asn)

Genes: CFTR (CF transmembrane conductance regulator; plus strand), CFTR-AS1 (CFTR antisense RNA 1; minus strand). Cytogenetic location: 7q31.2.
Variant type: single nucleotide variant.
Coding change: c.1505T>A on transcript NM_000492.4 (MANE Select); coding-DNA position 1505, T replaced by A.
Protein change: p.Ile502Asn; replaces isoleucine 502 with asparagine.
Molecular consequence: missense variant.
Genome position (GRCh38, 1-based): chr7:117,559,576, T>A. VCF-style: chr7-117559576-T-A. GRCh37 (hg19) VCF-style: chr7-117199630-T-A.
Other names: short protein forms I502N.
Identifiers: ClinVar variation 53271 (VCV000053271.5), dbSNP rs397508222, ClinGen allele CA326512.

ClinVar aggregate classification (germline): Conflicting classifications of pathogenicity. Review status: criteria provided, conflicting classifications (1 of 4 stars). 3 submissions from 3 submitters: Likely pathogenic (2); Uncertain significance (1). Last evaluated 2021-07-22.

Conditions:
Cystic fibrosis (CF). Also called: MUCOVISCIDOSIS. Identifiers: Orphanet 586, MedGen C0010674, MONDO:0009061, OMIM 219700. Disease mechanism: loss of function.

Submissions (3):

Genome-Nilou Lab
Classification: Likely pathogenic for Cystic fibrosis. Last evaluated: 2021-07-22. Review status: criteria provided, single submitter. Criteria: ACMG Guidelines, 2015. Collection method: clinical testing. Allele origin: germline. Affected: no.

Quest Diagnostics Nichols Institute San Juan Capistrano
Classification: Uncertain significance. Last evaluated: 2019-10-02. Review status: criteria provided, single submitter. Criteria: Quest Diagnostics criteria. Collection method: clinical testing. Allele origin: unknown.

Johns Hopkins Genomics, Johns Hopkins University
Classification: Likely pathogenic for Cystic fibrosis. Last evaluated: 2019-05-14. Review status: criteria provided, single submitter. Criteria: ACMG Guidelines, 2015. Collection method: clinical testing. Allele origin: germline.
Comment: This CFTR variant is absent from large population datasets and has not been reported in ClinVar, to our knowledge. A known alternate pathogenic missense variant (p.Ile502Thr) has been reported in the same residue as this variant. Two bioinformatic tools queried predict that p.Ile502Asn would be damaging, and the isoleucine residue at this position is highly evolutionarily conserved across most species assessed. This variant is likely pathogenic in this patient.